The following is an entry in ClinVar:

ClinVar aggregate classification (germline): Uncertain significance (1 of 4 stars; one submission).

Allele frequency attached by ClinVar (database versions not stated): gnomAD 0.00001; gnomAD exomes 0.00001 and 0.00002; ExAC 0.00003.

Submission:

Labcorp Genetics (formerly Invitae), Labcorp
Classification: Uncertain significance. Last evaluated: 2021-10-18. Review status: criteria provided, single submitter. Criteria: Invitae Variant Classification Sherloc (09022015). Collection method: clinical testing. Allele origin: germline.
Comment: In summary, the available evidence is currently insufficient to determine the role of this variant in disease. Therefore, it has been classified as a Variant of Uncertain Significance. Algorithms developed to predict the effect of missense changes on protein structure and function output the following: SIFT: "Tolerated"; PolyPhen-2: "Benign"; Align-GVGD: "Class C0". The serine amino acid residue is found in multiple mammalian species, which suggests that this missense change does not adversely affect protein function. This variant has not been reported in the literature in individuals affected with ROM1-related conditions. This variant is present in population databases (rs781273918, ExAC 0.02%). This sequence change replaces glycine with serine at codon 101 of the ROM1 protein (p.Gly101Ser). The glycine residue is moderately conserved and there is a small physicochemical difference between glycine and serine.

NM_000327.4(ROM1):c.301G>A (p.Gly101Ser)

Gene: ROM1 (retinal outer segment membrane protein 1; plus strand). Cytogenetic location: 11q12.3.
Variant type: single nucleotide variant.
Coding change: c.301G>A on transcript NM_000327.4 (MANE Select); coding-DNA position 301, G replaced by A.
Protein change: p.Gly101Ser; replaces glycine 101 with serine.
Molecular consequence: missense variant.
Genome position (GRCh38, 1-based): chr11:62,613,582, G>A. VCF-style: chr11-62613582-G-A. GRCh37 (hg19) VCF-style: chr11-62381054-G-A.
Other names: short protein forms G101S.
Identifiers: ClinVar variation 1463622 (VCV001463622.6), dbSNP rs781273918, ClinGen allele CA6049694.
Genomic context (GRCh38, chr11:62,613,582, plus strand): 5'-GTAGGAGCCAGCCGGGCAAGTCTGAATGCAGCTCTATACCCTCCCTGGCGAGGGGTCCTG[G>A]GCCCGCTGCTGGTGGCTGGCACGGCTGGTGGGGGGGGGCTCCTGGTCGTCGGCCTCGGGC-3'
Protein context (NP_000318.2, residues 91-111): ALYPPWRGVL[Gly101Ser]PLLVAGTAGG